The following is an entry in ClinVar:

ClinVar aggregate classification (germline): Pathogenic (1 of 4 stars; one submission).

Conditions:
Autosomal recessive nonsyndromic hearing loss 84A. Also called: DEAFNESS, AUTOSOMAL RECESSIVE 84A; DEAFNESS, AUTOSOMAL RECESSIVE 84A, WITH VESTIBULAR DYSFUNCTION. Identifiers: Orphanet 90636, MedGen C3150654, MONDO:0013249, OMIM 613391.

Submission:

Institute of Rare Diseases, West China Hospital, Sichuan University
Classification: Pathogenic for Autosomal recessive nonsyndromic hearing loss 84A. Last evaluated: 2025-01-09. Review status: criteria provided, single submitter. Criteria: ClinGen HL ACMG Specifications v1. Collection method: research. Allele origin: germline. Affected: yes.
Comment: PVS1;PM3;PM2_Supporting

NM_001145026.2(PTPRQ):c.6454-2A>G

Gene: PTPRQ (protein tyrosine phosphatase receptor type Q; plus strand). Cytogenetic location: 12q21.31.
Variant type: single nucleotide variant.
Coding change: c.6454-2A>G on transcript NM_001145026.2 (MANE Select); the canonical splice acceptor site of the intron before coding-DNA position 6454, A replaced by G.
Molecular consequence: splice acceptor variant.
Genome position (GRCh38, 1-based): chr12:80,670,342, A>G. VCF-style: chr12-80670342-A-G. GRCh37 (hg19) VCF-style: chr12-81064121-A-G.
Identifiers: ClinVar variation 3601709 (VCV003601709.1).
Genomic context (GRCh38, chr12:80,670,342, plus strand): 5'-CTTCAACCTTCATTGTGGAACTTAAATAATTTTGTCATTCATTAATCCGTCCCTTTGTCT[A>G]GCATGGGGATTGCATGACTGTTCGACAGTGTAACTTTACTGCCTGGCCAGAGCATGGGGT-3'